The following is an entry in ClinVar:

NM_197968.4(ZMYM2):c.3442G>A (p.Gly1148Arg)

Gene: ZMYM2 (zinc finger MYM-type containing 2; plus strand). Cytogenetic location: 13q12.11.
Variant type: single nucleotide variant.
Coding change: c.3442G>A on transcript NM_197968.4 (MANE Select); coding-DNA position 3442, G replaced by A.
Protein change: p.Gly1148Arg; replaces glycine 1148 with arginine.
Molecular consequence: missense variant. On other transcripts: non-coding transcript variant (1).
Genome position (GRCh38, 1-based): chr13:20,067,379, G>A. VCF-style: chr13-20067379-G-A. GRCh37 (hg19) VCF-style: chr13-20641519-G-A.
Other names: c.3442G>A, p.Gly1148Arg (NM_001190964.4, NM_001190965.4, NM_001353157.2 and 5 more transcripts); c.3247G>A, p.Gly1083Arg (NM_001353161.3); c.3181G>A, p.Gly1061Arg (NM_001353163.2); short protein forms G1061R, G1083R, G1148R.
Identifiers: ClinVar variation 5017314 (VCV005017314.1).

ClinVar aggregate classification (germline): Uncertain significance (1 of 4 stars; one submission).

Submission:

GeneDx
Classification: Uncertain significance. Last evaluated: 2026-03-24. Review status: criteria provided, single submitter. Criteria: GeneDx Variant Classification Process June 2021. Collection method: clinical testing. Allele origin: germline.
Comment: Not observed at significant frequency in large population cohorts (gnomAD); In silico analysis supports that this missense variant has a deleterious effect on protein structure/function; Has not been previously published as pathogenic or benign to our knowledge